The following is an entry in ClinVar:

NM_000257.4(MYH7):c.4079T>C (p.Val1360Ala)

Gene: MYH7 (myosin heavy chain 7; minus strand). Cytogenetic location: 14q11.2.
Variant type: single nucleotide variant.
Coding change: c.4079T>C on transcript NM_000257.4 (MANE Select); coding-DNA position 4079, T replaced by C.
Protein change: p.Val1360Ala; replaces valine 1360 with alanine.
Molecular consequence: missense variant.
Genome position (GRCh38, 1-based): chr14:23,418,300, A>G on the plus strand (T>C on the coding strand, the complement: MYH7 is on the minus strand). VCF-style: chr14-23418300-A-G. GRCh37 (hg19) VCF-style: chr14-23887509-A-G.
Other names: p.V1360A:GTC>GCC; c.4079T>C (LRG_384t1); short protein forms V1360A.
Identifiers: ClinVar variation 181241 (VCV000181241.14), dbSNP rs730880789, ClinGen allele CA014443.

ClinVar aggregate classification (germline): Conflicting classifications of pathogenicity. Review status: criteria provided, conflicting classifications (1 of 4 stars). 3 submissions from 3 submitters: Uncertain significance (2); Likely benign (1). Last evaluated 2026-08-15.

Conditions:
Cardiovascular phenotype. Identifiers: MedGen CN230736.
Hypertrophic cardiomyopathy. Also called: HYPERTROPHIC MYOCARDIOPATHY. Identifiers: Orphanet 217569, MedGen C0007194, MeSH D002312, MONDO:0005045, HP:0001639.

Allele frequency attached by ClinVar (database versions not stated): gnomAD exomes 0.00001.
gnomAD v4.1: 18 of 1,613,534 alleles (0.0011%); highest among the groups gnomAD compares: Non-Finnish European, 0.0015%; no homozygotes.

Submissions (3):

GeneDx
Classification: Uncertain significance. Last evaluated: 2026-08-15. Review status: criteria provided, single submitter. Criteria: GeneDx Variant Classification Process June 2021. Collection method: clinical testing. Allele origin: germline.
Comment: Reported in at least one individual from a large cohort study with dilated cardiomyopathy, but detailed clinical information and familial segregation were not provided (PMID: 37652022, 31983221); Not observed at significant frequency in large population cohorts (gnomAD); In silico analysis suggests that this missense variant does not alter protein structure/function; This variant is associated with the following publications: (PMID: 37652022, 31983221)

Ambry Genetics
Classification: Likely benign for Cardiovascular phenotype. Last evaluated: 2026-08-06. Review status: criteria provided, single submitter. Criteria: Ambry Variant Classification Scheme 2023. Collection method: clinical testing. Allele origin: germline.

Labcorp Genetics (formerly Invitae), Labcorp
Classification: Uncertain significance for Hypertrophic cardiomyopathy. Last evaluated: 2025-12-31. Review status: criteria provided, single submitter. Criteria: Invitae Variant Classification Sherloc (09022015). Collection method: clinical testing. Allele origin: germline.
Comment: This sequence change replaces valine, which is neutral and non-polar, with alanine, which is neutral and non-polar, at codon 1360 of the MYH7 protein (p.Val1360Ala). This variant is not present in population databases (gnomAD no frequency). This missense change has been observed in individual(s) with dilated cardiomyopathy (PMID: 31983221, 37652022). ClinVar contains an entry for this variant (Variation ID: 181241). Invitae Evidence Modeling of protein sequence and biophysical properties (such as structural, functional, and spatial information, amino acid conservation, physicochemical variation, residue mobility, and thermodynamic stability) indicates that this missense variant is not expected to disrupt MYH7 protein function with a negative predictive value of 95%. In summary, the available evidence is currently insufficient to determine the role of this variant in disease. Therefore, it has been classified as a Variant of Uncertain Significance.

Literature cited by the submitters: PubMed 31983221 (cited by Ambry Genetics and Labcorp Genetics (formerly Invitae), Labcorp); PubMed 37652022 (cited by Labcorp Genetics (formerly Invitae), Labcorp).